The following is an entry in ClinVar:

ClinVar aggregate classification (germline): Uncertain significance (1 of 4 stars; one submission).

Conditions:
Charcot-Marie-Tooth disease axonal type 2C (HMSN2C). Also called: Charcot-Marie-Tooth Disease Type 2, TRPV4-Related (CMT2C); CHARCOT-MARIE-TOOTH DISEASE, AXONAL, AUTOSOMAL DOMINANT, TYPE 2C; Charcot-Marie-Tooth Neuropathy Type 2C. Identifiers: Orphanet 99937, MedGen C1853710, MONDO:0011633, OMIM 606071.

Submission:

Labcorp Genetics (formerly Invitae), Labcorp
Classification: Uncertain significance for Charcot-Marie-Tooth disease axonal type 2C. Last evaluated: 2022-03-25. Review status: criteria provided, single submitter. Criteria: Invitae Variant Classification Sherloc (09022015). Collection method: clinical testing. Allele origin: germline.
Comment: In summary, the available evidence is currently insufficient to determine the role of this variant in disease. Therefore, it has been classified as a Variant of Uncertain Significance. Advanced modeling of protein sequence and biophysical properties (such as structural, functional, and spatial information, amino acid conservation, physicochemical variation, residue mobility, and thermodynamic stability) performed at Invitae indicates that this missense variant is not expected to disrupt TRPV4 protein function. This variant has not been reported in the literature in individuals affected with TRPV4-related conditions. This variant is not present in population databases (gnomAD no frequency). This sequence change replaces isoleucine, which is neutral and non-polar, with methionine, which is neutral and non-polar, at codon 216 of the TRPV4 protein (p.Ile216Met).

NM_021625.5(TRPV4):c.648C>G (p.Ile216Met)

Gene: TRPV4 (transient receptor potential cation channel subfamily V member 4; minus strand). Cytogenetic location: 12q24.11.
Variant type: single nucleotide variant.
Coding change: c.648C>G on transcript NM_021625.5 (MANE Select); coding-DNA position 648, C replaced by G.
Protein change: p.Ile216Met; replaces isoleucine 216 with methionine.
Molecular consequence: missense variant.
Genome position (GRCh38, 1-based): chr12:109,803,055, G>C on the plus strand (C>G on the coding strand, the complement: TRPV4 is on the minus strand). VCF-style: chr12-109803055-G-C. GRCh37 (hg19) VCF-style: chr12-110240860-G-C.
Other names: c.648C>G, p.Ile216Met (NM_001177428.2, NM_001177433.2, NM_147204.3); c.546C>G, p.Ile182Met (NM_001177431.2); short protein forms I216M, I182M.
Identifiers: ClinVar variation 2116724 (VCV002116724.4), dbSNP rs201254881, ClinGen allele CA386656096.
Genomic context (GRCh38, chr12:109,803,055, plus strand): 5'-ATAGTAGATGTCACGGAAGGGCGAGTTAATGAACTCCCTCATGTTGCCGGTGCGCTCCGC[G>C]ATGTCCAGCAGCACAGGGATGGTGTCGTTGCGGCCATTGCTCAGGTTCAGCAAGGCCTTG-3'
Protein context (NP_067638.3, residues 206-226): RNDTIPVLLD[Ile216Met]AERTGNMREF